The following is an entry in ClinVar:

NM_001093.4(ACACB):c.6942+9C>T

Genes: ACACB (acetyl-CoA carboxylase beta; plus strand), LOC130008714 (ATAC-STARR-seq lymphoblastoid active region 6984; plus strand). Cytogenetic location: 12q24.11.
Variant type: single nucleotide variant.
Coding change: c.6942+9C>T on transcript NM_001093.4 (MANE Select); 9 bases into the intron after coding-DNA position 6942, C replaced by T.
Molecular consequence: intron variant.
Genome position (GRCh38, 1-based): chr12:109,264,395, C>T. VCF-style: chr12-109264395-C-T. GRCh37 (hg19) VCF-style: chr12-109702200-C-T.
Identifiers: ClinVar variation 730711 (VCV000730711.7), dbSNP rs138514497, ClinGen allele CA6775279.

ClinVar aggregate classification (germline): Benign. Review status: criteria provided, multiple submitters, no conflicts (2 of 4 stars). 3 submissions from 3 submitters: Benign (2). 1 of the submissions does not count toward it. Last evaluated 2019-12-31.

Conditions:
ACACB-related disorder. Also called: ACACB-related condition.

Allele frequency attached by ClinVar (database versions not stated): gnomAD exomes 0.00032 and 0.00084; ExAC 0.00111; 1000 Genomes Project 0.00240; 1000 Genomes Project 30x 0.00250; gnomAD 0.00321 and 0.00347; TOPMed 0.00388; ESP Exome Variant Server 0.00400.
gnomAD v4.1: 977 of 1,613,482 alleles (0.061%); highest among the groups gnomAD compares: African/African-American, 1.1%; 5 homozygotes.

Submissions (3):

Labcorp Genetics (formerly Invitae), Labcorp
Classification: Benign. Last evaluated: 2019-12-31. Review status: criteria provided, single submitter. Criteria: Invitae Variant Classification Sherloc (09022015). Collection method: clinical testing. Allele origin: germline.

Breakthrough Genomics
Classification: Benign. Review status: criteria provided, single submitter. Criteria: ACMG Guidelines, 2015. Collection method: not provided. Allele origin: germline. Inheritance: Unknown mechanism. Affected: yes.

PreventionGenetics, part of Exact Sciences
Classification: Benign for ACACB-related condition. Last evaluated: 2024-03-08. Review status: no assertion criteria provided. Collection method: clinical testing. Allele origin: germline. Not counted in ClinVar's aggregate classification.
Comment: This variant is classified as benign based on ACMG/AMP sequence variant interpretation guidelines (Richards et al. 2015 PMID: 25741868, with internal and published modifications).